The following is an entry in ClinVar:

NM_001372066.1(TFAP2A):c.262C>G (p.His88Asp)

Gene: TFAP2A (transcription factor AP-2 alpha; minus strand). Cytogenetic location: 6p24.3.
Variant type: single nucleotide variant.
Coding change: c.262C>G on transcript NM_001372066.1 (MANE Select); coding-DNA position 262, C replaced by G.
Protein change: p.His88Asp; replaces histidine 88 with aspartic acid.
Molecular consequence: missense variant.
Genome position (GRCh38, 1-based): chr6:10,410,125, G>C on the plus strand (C>G on the coding strand, the complement: TFAP2A is on the minus strand). VCF-style: chr6-10410125-G-C. GRCh37 (hg19) VCF-style: chr6-10410358-G-C.
Other names: c.238C>G, p.His80Asp (NM_001032280.3); c.244C>G, p.His82Asp (NM_001042425.3); short protein forms H80D, H82D, H88D.
Identifiers: ClinVar variation 3661223 (VCV003661223.2).

ClinVar aggregate classification (germline): Uncertain significance (1 of 4 stars; one submission).

Submission:

Labcorp Genetics (formerly Invitae), Labcorp
Classification: Uncertain significance. Last evaluated: 2024-08-13. Review status: criteria provided, single submitter. Criteria: Invitae Variant Classification Sherloc (09022015). Collection method: clinical testing. Allele origin: germline.
Comment: This sequence change replaces histidine, which is basic and polar, with aspartic acid, which is acidic and polar, at codon 86 of the TFAP2A protein (p.His86Asp). This variant is not present in population databases (gnomAD no frequency). This variant has not been reported in the literature in individuals affected with TFAP2A-related conditions. Advanced modeling of protein sequence and biophysical properties (such as structural, functional, and spatial information, amino acid conservation, physicochemical variation, residue mobility, and thermodynamic stability) performed at Invitae indicates that this missense variant is not expected to disrupt TFAP2A protein function with a negative predictive value of 80%. In summary, the available evidence is currently insufficient to determine the role of this variant in disease. Therefore, it has been classified as a Variant of Uncertain Significance.